The following is an entry in ClinVar:

NM_001083962.2(TCF4):c.922+3G>T

Genes: TCF4 (transcription factor 4; minus strand), LOC126862757 (CDK7 strongly-dependent group 2 enhancer GRCh37_chr18:52936433-52937632; plus strand). Cytogenetic location: 18q21.2.
Variant type: single nucleotide variant.
Coding change: c.922+3G>T on transcript NM_001083962.2 (MANE Select); 3 bases into the intron after coding-DNA position 922, G replaced by T.
Molecular consequence: intron variant.
Genome position (GRCh38, 1-based): chr18:55,269,828, C>A on the plus strand (G>T on the coding strand, the complement: TCF4 is on the minus strand). VCF-style: chr18-55269828-C-A. GRCh37 (hg19) VCF-style: chr18-52937059-C-A.
Other names: c.1228+3G>T (NM_001243226.3); c.847+3G>T (NM_001369584.1, NM_001369576.1, NM_001369585.1 and 3 more transcripts); c.850+3G>T (NM_001369577.1, NM_001369582.1, NM_001243227.2 and 9 more transcripts); c.922+3G>T (NM_001369571.1, NM_001369567.1, NM_001369572.1 and 4 more transcripts); c.940+3G>T (NM_001243228.2); c.916+3G>T (NM_001243230.2); c.919+3G>T (NM_001369569.1, NM_001369573.1, NM_001369570.1); c.796+3G>T (NM_001243231.2, NM_001348211.2); and 4 more.
Identifiers: ClinVar variation 1204043 (VCV001204043.6), dbSNP rs2145955178, ClinGen allele CA2499225220.

ClinVar aggregate classification (germline): Likely pathogenic. Review status: criteria provided, multiple submitters, no conflicts (2 of 4 stars). 3 submissions from 3 submitters: Likely pathogenic (3). Last evaluated 2023-05-02.

Conditions:
Pitt-Hopkins syndrome (PTHS). Also called: ENCEPHALOPATHY, SEVERE EPILEPTIC, WITH AUTONOMIC DYSFUNCTION; MENTAL RETARDATION, SYNDROMAL, WITH INTERMITTENT HYPERVENTILATION. Identifiers: Orphanet 2896, MedGen C1970431, MONDO:0012589, OMIM 610954.

Submissions (3):

Broad Center for Mendelian Genomics, Broad Institute of MIT and Harvard
Classification: Likely pathogenic for Pitt-Hopkins syndrome. Last evaluated: 2023-05-02. Review status: criteria provided, single submitter. Criteria: ACMG Guidelines, 2015. Collection method: curation. Allele origin: germline. Inheritance: Autosomal dominant inheritance.
Comment: Trio genome analysis showed this variant to be de novo. The c.922+3G>T variant in TCF4 has been previously reported in one individual with Pitt-Hopkins syndrome and was assumed de novo in this individual, but maternity and paternity have not been confirmed (PMID: 32971458). The number of reported affected individuals with this variant is slightly greater than expected compared to non-affected individuals with this variant. This variant has also been reported in ClinVar (Variation ID: 1204043) and has been interpreted as likely pathogenic by GeneDx. This variant was absent from large population studies. This variant is located in the 5' splice region. RNAseq analysis performed on unaffected tissue shows exon skipping of exon 11 (Broad Institute Rare Genomes Project). Computational tools do suggest an impact to splicing. However, this information is not predictive enough to determine pathogenicity. In summary, although additional studies are required to fully establish its clinical significance, this variant is likely pathogenic for autosomal dominant Pitt-Hopkins syndrome. ACMG/AMP Criteria applied: PS2_Moderate, PS4_Supporting, PM2_Supporting, PS3_Moderate, PP3 (Richards 2015).

Laboratory for Molecular Medicine, Mass General Brigham Personalized Medicine
Classification: Likely pathogenic for Pitt-Hopkins syndrome. Last evaluated: 2022-10-13. Review status: criteria provided, single submitter. Criteria: ACMG Guidelines, 2015. Collection method: clinical testing. Allele origin: germline. Inheritance: Autosomal dominant inheritance.
Comment: The c.922+3G>T variant in TCF4 has been reported in 2 individuals with Pitt-Hopkins syndrome (Bone 2022; Sripathy 2020 PMID: 32971458). This variant was also confirmed to be de novo by trio whole genome sequencing in a child with global developmental delay, hypotonia, myopia, cortical vision impairment, and mild dysmorphic features by the Broad Institute Rare Genomes Project. It was absent from large population studies. This variant has been reported in ClinVar (Variation ID 1204043). This variant is located in intron 11 in the 3' splice region. Computational tools predict a splicing impact, though this information is not predictive enough to determine pathogenicity. RNA sequencing performed on a blood sample from a patient carrying this variant shows evidence of exon 11 skipping (Broad Institute Rare Genomes Project), which is predicted to introduce a frameshift leading to an abnormal or absent protein. In summary, although additional studies are required to fully establish its clinical significance, this variant meets criteria to be classified as likely pathogenic for autosomal dominant Pitt-Hopkins syndrome. ACMG/AMP Criteria applied: PS3_Moderate, PS2_Moderate, PM2_Supporting, PP3, PS4_Supporting.

GeneDx
Classification: Likely pathogenic. Last evaluated: 2019-06-10. Review status: criteria provided, single submitter. Criteria: GeneDx Variant Classification Process June 2021. Collection method: clinical testing. Allele origin: germline. Affected: yes.
Comment: Not observed in large population cohorts (Lek et al., 2016); Has not been previously published as pathogenic or benign to our knowledge; In-silico analysis, which includes splice predictors and evolutionary conservation, is inconclusive as to whether the variant alters gene splicing. In the absence of RNA/functional studies, the actual effect of this sequence change is unknown.; This variant is associated with the following publications: (PMID: 32971458)

Literature cited by the submitters: PubMed 32971458 (cited by Laboratory for Molecular Medicine, Mass General Brigham Personalized Medicine).